The following is an entry in ClinVar:

NM_001017995.3(SH3PXD2B):c.*3202C>T

Gene: SH3PXD2B (SH3 and PX domains 2B; minus strand). Cytogenetic location: 5q35.1.
Variant type: single nucleotide variant.
Coding change: c.*3202C>T on transcript NM_001017995.3 (MANE Select); 3202 bases downstream of the stop codon, C replaced by T.
Molecular consequence: 3 prime UTR variant. On other transcripts: intron variant (1).
Genome position (GRCh38, 1-based): chr5:172,335,167, G>A on the plus strand (C>T on the coding strand, the complement: SH3PXD2B is on the minus strand). VCF-style: chr5-172335167-G-A. GRCh37 (hg19) VCF-style: chr5-171762171-G-A.
Other names: c.1189-9787C>T (NM_001308175.2).
Identifiers: ClinVar variation 352748 (VCV000352748.5), dbSNP rs180938966, ClinGen allele CA10619960.

ClinVar aggregate classification (germline): Likely benign (1 of 4 stars; one submission).

Conditions:
Frank-Ter Haar syndrome. Also called: BORRONE DERMATOCARDIOSKELETAL SYNDROME; TER HAAR SYNDROME; MELNICK-NEEDLES SYNDROME, AUTOSOMAL RECESSIVE; Borrone di Rocco Crovato syndrome. Identifiers: Orphanet 1266, Orphanet 137834, MedGen C1855305, MONDO:0009579, OMIM 249420.

Allele frequency attached by ClinVar (database versions not stated): gnomAD exomes 0.00033; 1000 Genomes Project 0.00300; 1000 Genomes Project 30x 0.00312; gnomAD 0.00397 and 0.00429; TOPMed 0.00438.
gnomAD v4.1: 896 of 991,620 alleles (0.09%); highest among the groups gnomAD compares: African/African-American, 1.4%; 5 homozygotes.

Submission:

Illumina Laboratory Services, Illumina
Classification: Likely benign for Frank-Ter Haar syndrome. Last evaluated: 2018-01-12. Review status: criteria provided, single submitter. Criteria: ICSL Variant Classification Criteria 13 December 2019. Collection method: clinical testing. Allele origin: germline.
Comment: This variant was observed in the ICSL laboratory as part of a predisposition screen in an ostensibly healthy population. It had not been previously curated by ICSL or reported in the Human Gene Mutation Database (HGMD: prior to June 1st, 2018), and was therefore a candidate for classification through an automated scoring system. Utilizing variant allele frequency, disease prevalence and penetrance estimates, and inheritance mode, an automated score was calculated to assess if this variant is too frequent to cause the disease. Based on the score and internal cut-off values, a variant classified as likely benign is not then subjected to further curation. The score for this variant resulted in a classification of likely benign for this disease.